The following is an entry in ClinVar:

ClinVar aggregate classification (germline): Uncertain significance (1 of 4 stars; one submission).

Conditions:
Hyper-IgE recurrent infection syndrome 1, autosomal dominant. Also called: JOB SYNDROME; Job's Syndrome; STAT3 Hyper IgE Syndrome; Hyper-IgE recurrent infection syndrome 1; HYPER-IgE SYNDROME 1, AUTOSOMAL DOMINANT, WITH RECURRENT INFECTIONS. Identifiers: Orphanet 2314, MedGen C2936739, MONDO:0007818, OMIM 147060.
STAT3 gain of function. Identifiers: MedGen C4288261.

Submission:

Labcorp Genetics (formerly Invitae), Labcorp
Classification: Uncertain significance for STAT3 gain of function; Hyper-IgE recurrent infection syndrome 1, autosomal dominant. Last evaluated: 2022-10-19. Review status: criteria provided, single submitter. Criteria: Invitae Variant Classification Sherloc (09022015). Collection method: clinical testing. Allele origin: germline.
Comment: This variant has not been reported in the literature in individuals affected with STAT3-related conditions. This variant is not present in population databases (gnomAD no frequency). This sequence change replaces glutamic acid, which is acidic and polar, with glycine, which is neutral and non-polar, at codon 652 of the STAT3 protein (p.Glu652Gly). Advanced modeling of protein sequence and biophysical properties (such as structural, functional, and spatial information, amino acid conservation, physicochemical variation, residue mobility, and thermodynamic stability) performed at Invitae indicates that this missense variant is expected to disrupt STAT3 protein function. In summary, the available evidence is currently insufficient to determine the role of this variant in disease. Therefore, it has been classified as a Variant of Uncertain Significance.

NM_139276.3(STAT3):c.1955A>G (p.Glu652Gly)

Gene: STAT3 (signal transducer and activator of transcription 3; minus strand). Cytogenetic location: 17q21.2.
Variant type: single nucleotide variant.
Coding change: c.1955A>G on transcript NM_139276.3 (MANE Select); coding-DNA position 1955, A replaced by G.
Protein change: p.Glu652Gly; replaces glutamic acid 652 with glycine.
Molecular consequence: missense variant.
Genome position (GRCh38, 1-based): chr17:42,322,428, T>C on the plus strand (A>G on the coding strand, the complement: STAT3 is on the minus strand). VCF-style: chr17-42322428-T-C. GRCh37 (hg19) VCF-style: chr17-40474446-T-C.
Other names: c.1955A>G, p.Glu652Gly (NM_001369512.1, NM_001369513.1, NM_001369514.1 and 9 more transcripts); c.1871A>G, p.Glu624Gly (NM_001384984.1); c.1877A>G, p.Glu626Gly (NM_001384985.1); c.1970A>G, p.Glu657Gly (NM_001384986.1, NM_001384990.1); c.1934A>G, p.Glu645Gly (NM_001384987.1); c.1859A>G, p.Glu620Gly (NM_001384989.1); c.1928A>G, p.Glu643Gly (NM_001384991.1); c.1895A>G, p.Glu632Gly (NM_001384992.1); short protein forms E620G, E624G, E626G, E632G, E643G, E645G, E652G, E657G.
Identifiers: ClinVar variation 1721843 (VCV001721843.6), dbSNP rs2144682083, ClinGen allele CA399582191.